The following is an entry in ClinVar:

ClinVar aggregate classification (germline): Benign/Likely benign. Review status: criteria provided, multiple submitters, no conflicts (2 of 4 stars). 3 submissions from 3 submitters: Benign (1); Likely benign (1). 1 of the submissions does not count toward it. Last evaluated 2025-12-15.

Conditions:
TRIM28-related disorder. Also called: TRIM28-related condition.

Allele frequency attached by ClinVar (database versions not stated): 1000 Genomes Project 30x 0.00094; 1000 Genomes Project 0.00100; TOPMed 0.00254; gnomAD 0.00255; ESP Exome Variant Server 0.00315.

Submissions (3):

Labcorp Genetics (formerly Invitae), Labcorp
Classification: Benign. Last evaluated: 2025-12-15. Review status: criteria provided, single submitter. Criteria: Invitae Variant Classification Sherloc (09022015). Collection method: clinical testing. Allele origin: germline.

CeGaT Center for Human Genetics Tuebingen
Classification: Likely benign. Last evaluated: 2024-08-01. Review status: criteria provided, single submitter. Criteria: CeGaT Center For Human Genetics Tuebingen Variant Classification Criteria Version 2. Collection method: clinical testing. Allele origin: germline. Affected: yes. Observed: 26 variant alleles.
Comment: TRIM28: BS2

PreventionGenetics, part of Exact Sciences
Classification: Likely benign for TRIM28-related condition. Last evaluated: 2024-05-02. Review status: no assertion criteria provided. Collection method: clinical testing. Allele origin: germline. Not counted in ClinVar's aggregate classification.
Comment: This variant is classified as likely benign based on ACMG/AMP sequence variant interpretation guidelines (Richards et al. 2015 PMID: 25741868, with internal and published modifications).

NM_005762.3(TRIM28):c.1073A>C (p.Asn358Thr)

Gene: TRIM28 (tripartite motif containing 28; plus strand). Cytogenetic location: 19q13.43.
Variant type: single nucleotide variant.
Coding change: c.1073A>C on transcript NM_005762.3 (MANE Select); coding-DNA position 1073, A replaced by C.
Protein change: p.Asn358Thr; replaces asparagine 358 with threonine.
Molecular consequence: missense variant.
Genome position (GRCh38, 1-based): chr19:58,548,152, A>C. VCF-style: chr19-58548152-A-C. GRCh37 (hg19) VCF-style: chr19-59059519-A-C.
Other names: c.1073A>C (NM_005762.2); short protein forms N358T.
Identifiers: ClinVar variation 2650596 (VCV002650596.27), dbSNP rs61738781, ClinGen allele CA9719091.